The following is an entry in ClinVar:

NM_000283.4(PDE6B):c.1514A>C (p.His505Pro)

Gene: PDE6B (phosphodiesterase 6B; plus strand). Cytogenetic location: 4p16.3.
Variant type: single nucleotide variant.
Coding change: c.1514A>C on transcript NM_000283.4 (MANE Select); coding-DNA position 1514, A replaced by C.
Protein change: p.His505Pro; replaces histidine 505 with proline.
Molecular consequence: missense variant.
Genome position (GRCh38, 1-based): chr4:660,513, A>C. VCF-style: chr4-660513-A-C. GRCh37 (hg19) VCF-style: chr4-654302-A-C.
Other names: c.1514A>C, p.His505Pro (NM_001145291.2); c.677A>C, p.His226Pro (NM_001145292.2, NM_001350154.3, NM_001379246.1 and 1 more transcripts); c.359A>C, p.His120Pro (NM_001350155.3); short protein forms H120P, H505P, H226P.
Identifiers: ClinVar variation 2098224 (VCV002098224.4), dbSNP rs2474249551, ClinGen allele CA355915923.

ClinVar aggregate classification (germline): Uncertain significance (1 of 4 stars; one submission).

Submission:

Labcorp Genetics (formerly Invitae), Labcorp
Classification: Uncertain significance. Last evaluated: 2022-03-10. Review status: criteria provided, single submitter. Criteria: Invitae Variant Classification Sherloc (09022015). Collection method: clinical testing. Allele origin: germline.
Comment: This sequence change replaces histidine, which is basic and polar, with proline, which is neutral and non-polar, at codon 505 of the PDE6B protein (p.His505Pro). This variant is not present in population databases (gnomAD no frequency). In summary, the available evidence is currently insufficient to determine the role of this variant in disease. Therefore, it has been classified as a Variant of Uncertain Significance. Algorithms developed to predict the effect of missense changes on protein structure and function are either unavailable or do not agree on the potential impact of this missense change (SIFT: "Tolerated"; PolyPhen-2: "Possibly Damaging"; Align-GVGD: "Class C0"). This missense change has been observed in individual(s) with congenital stationary night blindness (PMID: 33247286).

Literature cited by the submitters: PubMed 33247286.